The following is an entry in ClinVar:

NM_019098.5(CNGB3):c.2365G>A (p.Ala789Thr)

Gene: CNGB3 (cyclic nucleotide gated channel subunit beta 3; minus strand). Cytogenetic location: 8q21.3.
Variant type: single nucleotide variant.
Coding change: c.2365G>A on transcript NM_019098.5 (MANE Select); coding-DNA position 2365, G replaced by A.
Protein change: p.Ala789Thr; replaces alanine 789 with threonine.
Molecular consequence: missense variant.
Genome position (GRCh38, 1-based): chr8:86,575,869, C>T on the plus strand (G>A on the coding strand, the complement: CNGB3 is on the minus strand). VCF-style: chr8-86575869-C-T. GRCh37 (hg19) VCF-style: chr8-87588097-C-T.
Other names: short protein forms A789T.
Identifiers: ClinVar variation 2161067 (VCV002161067.3), dbSNP rs267602028, ClinGen allele CA4799740.

ClinVar aggregate classification (germline): Uncertain significance. Review status: criteria provided, multiple submitters, no conflicts (2 of 4 stars). 3 submissions from 3 submitters: Uncertain significance (2). 1 of the submissions does not count toward it. Last evaluated 2022-09-30.

Conditions:
CNGB3-related disorder. Also called: CNGB3-related condition; CNGB3-related disorders. Identifiers: MedGen CN239340.

Allele frequency attached by ClinVar (database versions not stated): gnomAD 0.00001; TOPMed 0.00002; ExAC 0.00006.
gnomAD v4.1: 15 of 1,613,058 alleles (0.00093%); highest among the groups gnomAD compares: Admixed American, 0.025%; no homozygotes.

Submissions (3):

Blueprint Genetics
Classification: Uncertain significance. Last evaluated: 2022-09-30. Review status: criteria provided, single submitter. Criteria: ACMG Guidelines, 2015. Collection method: clinical testing. Allele origin: germline.

Labcorp Genetics (formerly Invitae), Labcorp
Classification: Uncertain significance. Last evaluated: 2022-07-26. Review status: criteria provided, single submitter. Criteria: Invitae Variant Classification Sherloc (09022015). Collection method: clinical testing. Allele origin: germline.
Comment: This sequence change replaces alanine, which is neutral and non-polar, with threonine, which is neutral and polar, at codon 789 of the CNGB3 protein (p.Ala789Thr). This variant is present in population databases (rs267602028, gnomAD 0.04%). This variant has not been reported in the literature in individuals affected with CNGB3-related conditions. Advanced modeling of protein sequence and biophysical properties (such as structural, functional, and spatial information, amino acid conservation, physicochemical variation, residue mobility, and thermodynamic stability) performed at Invitae indicates that this missense variant is not expected to disrupt CNGB3 protein function. In summary, the available evidence is currently insufficient to determine the role of this variant in disease. Therefore, it has been classified as a Variant of Uncertain Significance.

PreventionGenetics, part of Exact Sciences
Classification: Uncertain significance for CNGB3-related condition. Last evaluated: 2024-09-16. Review status: no assertion criteria provided. Collection method: clinical testing. Allele origin: germline. Not counted in ClinVar's aggregate classification.
Comment: The CNGB3 c.2365G>A variant is predicted to result in the amino acid substitution p.Ala789Thr. To our knowledge, this variant has not been reported in the literature. This variant is reported in 0.041% of alleles in individuals of Latino descent in gnomAD. At this time, the clinical significance of this variant is uncertain due to the absence of conclusive functional and genetic evidence.